The following is an entry in ClinVar:

NM_000127.3(EXT1):c.962+2T>A

Gene: EXT1 (exostosin glycosyltransferase 1; minus strand). Cytogenetic location: 8q24.11.
Variant type: single nucleotide variant.
Coding change: c.962+2T>A on transcript NM_000127.3 (MANE Select); the canonical splice donor site of the intron after coding-DNA position 962, T replaced by A.
Molecular consequence: splice donor variant.
Genome position (GRCh38, 1-based): chr8:118,110,083, A>T on the plus strand (T>A on the coding strand, the complement: EXT1 is on the minus strand). VCF-style: chr8-118110083-A-T. GRCh37 (hg19) VCF-style: chr8-119122322-A-T.
Identifiers: ClinVar variation 3721831 (VCV003721831.2).

ClinVar aggregate classification (germline): Pathogenic (1 of 4 stars; one submission).

Conditions:
Multiple congenital exostosis (EXT). Also called: MULTIPLE CARTILAGINOUS EXOSTOSES; Multiple exostoses; Hereditary multiple osteochondromas; Hereditary multiple exostoses; Hereditary multiple exostosis; Multiple osteochondromas. Identifiers: Orphanet 321, MedGen C0015306, MONDO:0005508, HP:0002762.

Submission:

Labcorp Genetics (formerly Invitae), Labcorp
Classification: Pathogenic for Multiple congenital exostosis. Last evaluated: 2024-10-05. Review status: criteria provided, single submitter. Criteria: Invitae Variant Classification Sherloc (09022015). Collection method: clinical testing. Allele origin: germline.
Comment: This sequence change affects a donor splice site in intron 1 of the EXT1 gene. It is expected to disrupt RNA splicing. Variants that disrupt the donor or acceptor splice site typically lead to a loss of protein function (PMID: 16199547), and loss-of-function variants in EXT1 are known to be pathogenic (PMID: 10679937, 11391482, 19810120). This variant is not present in population databases (gnomAD no frequency). Disruption of this splice site has been observed in individuals with multiple osteochondromas (PMID: 15253765, 16283885; internal data). Algorithms developed to predict the effect of sequence changes on RNA splicing suggest that this variant may disrupt the consensus splice site. For these reasons, this variant has been classified as Pathogenic.

Literature cited by the submitters: PubMed 16199547; PubMed 10679937; PubMed 11391482; PubMed 19810120; PubMed 15253765; PubMed 16283885.